The following is an entry in ClinVar:

ClinVar aggregate classification (germline): Uncertain significance (1 of 4 stars; one submission).

Conditions:
Chédiak-Higashi syndrome (CHS). Also called: Chediak-Higashi Syndrome. Identifiers: Orphanet 167, MedGen C0007965, MONDO:0008963, OMIM 214500.

Submission:

Labcorp Genetics (formerly Invitae), Labcorp
Classification: Uncertain significance for Chédiak-Higashi syndrome. Last evaluated: 2025-07-31. Review status: criteria provided, single submitter. Criteria: Invitae Variant Classification Sherloc (09022015). Collection method: clinical testing. Allele origin: germline.
Comment: This sequence change replaces threonine, which is neutral and polar, with isoleucine, which is neutral and non-polar, at codon 2289 of the LYST protein (p.Thr2289Ile). This variant is not present in population databases (gnomAD no frequency). This variant has not been reported in the literature in individuals affected with LYST-related conditions. ClinVar contains an entry for this variant (Variation ID: 2816788). Invitae Evidence Modeling of protein sequence and biophysical properties (such as structural, functional, and spatial information, amino acid conservation, physicochemical variation, residue mobility, and thermodynamic stability) indicates that this missense variant is not expected to disrupt LYST protein function with a negative predictive value of 80%. In summary, the available evidence is currently insufficient to determine the role of this variant in disease. Therefore, it has been classified as a Variant of Uncertain Significance.

NM_000081.4(LYST):c.6866C>T (p.Thr2289Ile)

Gene: LYST (lysosomal trafficking regulator; minus strand). Cytogenetic location: 1q42.3.
Variant type: single nucleotide variant.
Coding change: c.6866C>T on transcript NM_000081.4 (MANE Select); coding-DNA position 6866, C replaced by T.
Protein change: p.Thr2289Ile; replaces threonine 2289 with isoleucine.
Molecular consequence: missense variant.
Genome position (GRCh38, 1-based): chr1:235,758,987, G>A on the plus strand (C>T on the coding strand, the complement: LYST is on the minus strand). VCF-style: chr1-235758987-G-A. GRCh37 (hg19) VCF-style: chr1-235922287-G-A.
Other names: c.6866C>T, p.Thr2289Ile (NM_001301365.1); short protein forms T2289I.
Identifiers: ClinVar variation 2816788 (VCV002816788.3), dbSNP rs745989710, ClinGen allele CA344938872.
Genomic context (GRCh38, chr1:235,758,987, plus strand): 5'-ATAGTAAAATAAAGGTGGGAGGAGTGTACAAAAACACATAAGTACCTGTGAGCACTTGCA[G>A]TTCGGTTGTAATTTGGCTCATAACCAAGAGAATAGGCAAAGTTTTCCCAATCATCAGTGT-3'
Protein context (NP_000072.2, residues 2279-2299): SLGYEPNYNR[Thr2289Ile]ASAHSVTEDC